The following is an entry in ClinVar:

NM_000138.5(FBN1):c.3421C>T (p.Pro1141Ser)

Gene: FBN1 (fibrillin 1; minus strand). Cytogenetic location: 15q21.1.
Variant type: single nucleotide variant.
Coding change: c.3421C>T on transcript NM_000138.5 (MANE Select); coding-DNA position 3421, C replaced by T.
Protein change: p.Pro1141Ser; replaces proline 1141 with serine.
Molecular consequence: missense variant.
Genome position (GRCh38, 1-based): chr15:48,487,354, G>A on the plus strand (C>T on the coding strand, the complement: FBN1 is on the minus strand). VCF-style: chr15-48487354-G-A. GRCh37 (hg19) VCF-style: chr15-48779551-G-A.
Other names: c.3421C>T, p.Pro1141Ser (NM_001406716.1); short protein forms P1141S.
Identifiers: ClinVar variation 4871228 (VCV004871228.1).

ClinVar aggregate classification (germline): Uncertain significance (1 of 4 stars; one submission).

Conditions:
Familial thoracic aortic aneurysm and aortic dissection (TAAD). Also called: Thoracic aortic aneurysms and dissections. Identifiers: Orphanet 91387, MedGen C4707243, MONDO:0019625.

Submission:

Ambry Genetics
Classification: Uncertain significance for Familial thoracic aortic aneurysm and aortic dissection. Last evaluated: 2026-04-27. Review status: criteria provided, single submitter. Criteria: Ambry Variant Classification Scheme 2023. Collection method: clinical testing. Allele origin: germline.
Comment: The p.P1141S variant (also known as c.3421C>T), located in coding exon 27 of the FBN1 gene, results from a C to T substitution at nucleotide position 3421. The proline at codon 1141 is replaced by serine, an amino acid with similar properties. This amino acid position is conserved. In addition, this alteration is predicted to be deleterious by in silico analysis. Based on the available evidence, the clinical significance of this variant remains unclear.